The following is an entry in ClinVar:

NM_012478.4(WBP2):c.718G>A (p.Val240Ile)

Gene: WBP2 (WW domain binding protein 2; minus strand). Cytogenetic location: 17q25.1.
Variant type: single nucleotide variant.
Coding change: c.718G>A on transcript NM_012478.4 (MANE Select); coding-DNA position 718, G replaced by A.
Protein change: p.Val240Ile; replaces valine 240 with isoleucine.
Molecular consequence: missense variant.
Genome position (GRCh38, 1-based): chr17:75,846,922, C>T on the plus strand (G>A on the coding strand, the complement: WBP2 is on the minus strand). VCF-style: chr17-75846922-C-T. GRCh37 (hg19) VCF-style: chr17-73843003-C-T.
Other names: c.583G>A, p.Val195Ile (NM_001330499.2); c.718G>A, p.Val240Ile (NM_001348170.1); short protein forms V195I, V240I.
Identifiers: ClinVar variation 4711118 (VCV004711118.1).

ClinVar aggregate classification (germline): Uncertain significance (1 of 4 stars; one submission).

gnomAD v4.1: 61 of 1,614,116 alleles (0.0038%); highest among the groups gnomAD compares: Middle Eastern, 0.016%; no homozygotes.

Submission:

Labcorp Genetics (formerly Invitae), Labcorp
Classification: Uncertain significance. Last evaluated: 2025-09-27. Review status: criteria provided, single submitter. Criteria: Invitae Variant Classification Sherloc (09022015). Collection method: clinical testing. Allele origin: germline.
Comment: This sequence change replaces valine, which is neutral and non-polar, with isoleucine, which is neutral and non-polar, at codon 240 of the WBP2 protein (p.Val240Ile). This variant is present in population databases (rs199897877, gnomAD 0.06%), and has an allele count higher than expected for a pathogenic variant. This variant has not been reported in the literature in individuals affected with WBP2-related conditions. An algorithm developed to predict the effect of missense changes on protein structure and function (PolyPhen-2) suggests that this variant is likely to be disruptive. In summary, the available evidence is currently insufficient to determine the role of this variant in disease. Therefore, it has been classified as a Variant of Uncertain Significance.